The following is an entry in ClinVar:

ClinVar aggregate classification (germline): Pathogenic/Likely pathogenic. Review status: criteria provided, multiple submitters, no conflicts (2 of 4 stars). 7 submissions from 7 submitters: Pathogenic (2); Likely pathogenic (5). Last evaluated 2025-07-09.

Conditions:
Hypercalcemia, infantile, 2 (HCINF2). Identifiers: Orphanet 300547, MedGen C4310473, MONDO:0014851, OMIM 616963.
Fanconi renotubular syndrome 2 (FRTS2). Identifiers: MedGen C3150652, MONDO:0013247, OMIM 613388.
Hypophosphatemic nephrolithiasis/osteoporosis 1. Identifiers: Orphanet 244305, MedGen C2676786, MONDO:0012850, OMIM 612286.

Allele frequency attached by ClinVar (database versions not stated): gnomAD 0.00004 and 0.00005; TOPMed 0.00004; gnomAD exomes 0.00006 and 0.00007; ExAC 0.00010.
gnomAD v4.1: 111 of 1,613,244 alleles (0.0069%); highest among the groups gnomAD compares: Middle Eastern, 0.033%; no homozygotes.

Submissions (7):

First Genomix Gene Laboratory, Genetic Diagnostics Department
Classification: Likely pathogenic for Fanconi renotubular syndrome 2; Hypercalcemia, infantile, 2. Last evaluated: 2025-07-09. Review status: criteria provided, single submitter. Criteria: ACMG Guidelines, 2015. Collection method: clinical testing. Allele origin: germline. Inheritance: Autosomal recessive inheritance. Affected: no. Observed: 1 variant allele.

Labcorp Genetics (formerly Invitae), Labcorp
Classification: Pathogenic. Last evaluated: 2024-09-29. Review status: criteria provided, single submitter. Criteria: Invitae Variant Classification Sherloc (09022015). Collection method: clinical testing. Allele origin: germline.
Comment: This sequence change creates a premature translational stop signal (p.Arg25*) in the SLC34A1 gene. It is expected to result in an absent or disrupted protein product. Loss-of-function variants in SLC34A1 are known to be pathogenic (PMID: 26047794). This variant is present in population databases (rs200893951, gnomAD 0.01%). This variant has not been reported in the literature in individuals affected with SLC34A1-related conditions. ClinVar contains an entry for this variant (Variation ID: 422006). Algorithms developed to predict the effect of sequence changes on RNA splicing suggest that this variant may disrupt the consensus splice site. For these reasons, this variant has been classified as Pathogenic.

Fulgent Genetics
Classification: Likely pathogenic for Hypophosphatemic nephrolithiasis/osteoporosis 1; Fanconi renotubular syndrome 2; Hypercalcemia, infantile, 2. Last evaluated: 2024-05-13. Review status: criteria provided, single submitter. Criteria: ACMG Guidelines, 2015. Collection method: clinical testing. Allele origin: germline.

Clinical Genomics Laboratory, Stanford Medicine
Classification: Likely pathogenic for Hypophosphatemic nephrolithiasis/osteoporosis 1. Last evaluated: 2023-01-24. Review status: criteria provided, single submitter. Criteria: ACMG Guidelines, 2015. Collection method: clinical testing. Allele origin: germline. Inheritance: Autosomal dominant inheritance. Observed: 1 variant allele, 1 heterozygote.
Comment: The p.Arg25* variant in the SLC34A1 gene has not been previously reported in association with disease. This variant has been identified in 15/125,818 European (non-Finnish) chromosomes by the Genome Aggregation Database. This variant is present in ClinVar (Accession: VCV000422006.11). This variant leads to a premature stop codon in exon 2 of 13 coding exons, and is therefore predicted to undergo nonsense-mediated decay resulting in a truncated or absent protein. Loss of function is an established mechanism of disease for the SLC34A1 gene. These data were assessed using the ACMG/AMP variant interpretation guidelines. In summary, there is sufficient evidence to classify the p.Arg25* variant as likely pathogenic for hypophosphatemic nephrolithiasis/osteoporosis in an autosomal dominant manner based on the information above. [ACMG evidence codes used: PVS1; PM2]

Victorian Clinical Genetics Services, Murdoch Childrens Research Institute
Classification: Pathogenic for Hypophosphatemic nephrolithiasis/osteoporosis 1. Last evaluated: 2020-05-21. Review status: criteria provided, single submitter. Criteria: ACMG Guidelines, 2015. Collection method: clinical testing. Allele origin: germline.
Comment: Based on the classification scheme VCGS_Germline_v1.1.1, this variant is classified as Pathogenic. Following criteria are met: 0102 - Loss-of-function is a known mechanism of disease for this gene. (N) 0108 - This gene is known to be associated with both recessive and dominant disease (OMIM). (N) 0201 - Variant is predicted to cause nonsense-mediated decay (NMD) and loss of protein (exon 2 of 13). (P) 0251 - Variant is heterozygous. (N) 0304 - Variant is present in gnomAD <0.01 for a recessive condition (17 Heterozygotes, 0 Homozygotes). (P) 0703 - Four comparable variants have moderate previous evidence for pathogenicity (ClinVar, PMID:31188746, LOVD). (P) 0803 - Low previous evidence of pathogenicity in unrelated individuals. This variant has been reported once as likely pathogenic in ClinVar. (P) 0905 - No segregation evidence has been identified for this variant. (N) 1007 - No published functional evidence has been identified for this variant. (N) 1208 - Inheritance information for this variant is not currently available. (N) Legend: (P) - Pathogenic, (N) - Neutral, (B) - Benign

GeneDx
Classification: Likely pathogenic. Last evaluated: 2016-08-23. Review status: criteria provided, single submitter. Criteria: GeneDx Variant Classification (06012015). Collection method: clinical testing. Allele origin: germline. Affected: yes.
Comment: The R25X variant in the SLC34A1 gene has not been reported previously as a pathogenic variant nor as a benign variant, to our knowledge. This variant is predicted to cause loss of normal protein function either through protein truncation or nonsense-mediated mRNA decay. The R25X variant was not observed in approximately 6500 individuals of European and African American ancestry in the NHLBI Exome Sequencing Project, indicating it is not a common benign variant in these populations. The R25X variant is a strong candidate for a pathogenic variant, however the possibility it may be a rare benign variant cannot be excluded.

Juno Genomics, Hangzhou Juno Genomics, Inc
Classification: Likely pathogenic for Fanconi renotubular syndrome 2; Hypercalcemia, infantile, 2; Hypophosphatemic nephrolithiasis/osteoporosis 1. Review status: criteria provided, single submitter. Criteria: ACMG Guidelines, 2015. Collection method: clinical testing. Allele origin: germline.
Comment: Null variant in a gene where loss of function (LOF) is a known mechanism of disease.;Absent from controls (or at extremely low frequency if recessive) in Genome Aggregation Database.

Literature cited by the submitters: PubMed 26047794 (cited by Labcorp Genetics (formerly Invitae), Labcorp and Victorian Clinical Genetics Services, Murdoch Childrens Research Institute); PubMed 31188746 (cited by Victorian Clinical Genetics Services, Murdoch Childrens Research Institute).

NM_003052.5(SLC34A1):c.73C>T (p.Arg25Ter)

Gene: SLC34A1 (solute carrier family 34 member 1; plus strand). Cytogenetic location: 5q35.3.
Variant type: single nucleotide variant.
Coding change: c.73C>T on transcript NM_003052.5 (MANE Select); coding-DNA position 73, C replaced by T.
Protein change: p.Arg25Ter; replaces arginine 25 with a stop codon.
Molecular consequence: nonsense.
Genome position (GRCh38, 1-based): chr5:177,385,814, C>T. VCF-style: chr5-177385814-C-T. GRCh37 (hg19) VCF-style: chr5-176812815-C-T.
Other names: c.73C>T, p.Arg25Ter (NM_001167579.2); short protein forms R25*.
Identifiers: ClinVar variation 422006 (VCV000422006.16), dbSNP rs200893951, ClinGen allele CA3580231.